The following is an entry in ClinVar:

NM_001232.4(CASQ2):c.1017dup (p.Asp340Ter)

Gene: CASQ2 (calsequestrin 2; minus strand). Cytogenetic location: 1p13.1.
Variant type: Duplication.
Coding change: c.1017dup on transcript NM_001232.4 (MANE Select); coding-DNA position 1017, one base duplicated (T; older notation c.1017dupT).
Protein change: p.Asp340Ter; replaces aspartic acid 340 with a stop codon.
Molecular consequence: nonsense.
Genome position (GRCh38, 1-based): chr1:115,701,424, A duplicated on the plus strand (T on the coding strand, the reverse complement: CASQ2 is on the minus strand). VCF-style (leftmost placement, unchanged base first): chr1-115701423-C-CA. GRCh37 (hg19) VCF-style: chr1-116244044-C-CA.
Other names: c.1017dupT (NM_001232.4); short protein forms D340*.
Identifiers: ClinVar variation 190758 (VCV000190758.13), dbSNP rs1553191909, ClinGen allele CA301945.
Genomic context (GRCh38, chr1:115,701,423, plus strand): 5'-CCTCCAGCTCCTCAGCAGTTGGAAGATCGTCATCATCTGGAATCTCCATCCAGACACTGT[C>CA]AGCCTGCAGTGAGGGACAAAATGAATGAGTGGGTAAATGCATGAGGGCTGAACCAGACCA-3'

ClinVar aggregate classification (germline): Pathogenic. Review status: criteria provided, multiple submitters, no conflicts (2 of 4 stars). 2 submissions from 2 submitters: Pathogenic (2). Last evaluated 2025-01-10.

Conditions:
Catecholaminergic polymorphic ventricular tachycardia 1. Also called: RYR2-Related Catecholaminergic Polymorphic Ventricular Tachycardia; VENTRICULAR TACHYCARDIA, STRESS-INDUCED POLYMORPHIC 1; VENTRICULAR TACHYCARDIA, CATECHOLAMINERGIC POLYMORPHIC, 1, WITH OR WITHOUT ATRIAL DYSFUNCTION AND/OR DILATED CARDIOMYOPATHY. Identifiers: Orphanet 3286, MedGen C1631597, MONDO:0011484, OMIM 604772.

Allele frequency attached by ClinVar (database versions not stated): gnomAD exomes below 0.00001.

Submissions (2):

Women's Health and Genetics/Laboratory Corporation of America, LabCorp
Classification: Pathogenic for Catecholaminergic polymorphic ventricular tachycardia 1. Last evaluated: 2025-01-10. Review status: criteria provided, single submitter. Criteria: LabCorp Variant Classification Summary - May 2015. Collection method: clinical testing. Allele origin: germline.
Comment: Variant summary: CASQ2 c.1017dupT (p.Asp340X) results in a premature termination codon, predicted to cause a truncation of the encoded protein and not involved in nonsense-mediated mRNA decay. Consensus agreement among computation tools predict no significant impact on normal splicing. However, these predictions have yet to be confirmed by functional studies. The variant was absent in 250464 control chromosomes (gnomAD). c.1017dupT has been reported in the literature in individuals affected with Catecholaminergic Polymorphic Ventricular Tachycardia (Prez-Riera_2017, Roston_2018, Ng_2020). These data indicate that the variant is likely to be associated with disease. To our knowledge, no experimental evidence demonstrating an impact on protein function has been reported. The following publications have been ascertained in the context of this evaluation (PMID: 32693635, 29048771, 28158428). ClinVar contains an entry for this variant (Variation ID: 190758). Based on the evidence outlined above, the variant was classified as pathogenic.

Labcorp Genetics (formerly Invitae), Labcorp
Classification: Pathogenic for Catecholaminergic polymorphic ventricular tachycardia 1. Last evaluated: 2024-06-06. Review status: criteria provided, single submitter. Criteria: Invitae Variant Classification Sherloc (09022015). Collection method: clinical testing. Allele origin: germline.
Comment: This sequence change creates a premature translational stop signal (p.Asp340*) in the CASQ2 gene. While this is not anticipated to result in nonsense mediated decay, it is expected to disrupt the last 60 amino acid(s) of the CASQ2 protein. This variant is not present in population databases (gnomAD no frequency). This premature translational stop signal has been observed in individual(s) with clinical features of catecholaminergic polymorphic ventricular tachycardia (PMID: 32693635). ClinVar contains an entry for this variant (Variation ID: 190758). This variant disrupts a region of the CASQ2 protein in which other variant(s) (p.W361X) have been determined to be pathogenic (PMID: 23595086, 30729048). This suggests that this is a clinically significant region of the protein, and that variants that disrupt it are likely to be disease-causing. For these reasons, this variant has been classified as Pathogenic.

Literature cited by the submitters: PubMed 32693635 (cited by Women's Health and Genetics/Laboratory Corporation of America, LabCorp and Labcorp Genetics (formerly Invitae), Labcorp); PubMed 29048771 (cited by Women's Health and Genetics/Laboratory Corporation of America, LabCorp); PubMed 28158428 (cited by Women's Health and Genetics/Laboratory Corporation of America, LabCorp); PubMed 23595086 (cited by Labcorp Genetics (formerly Invitae), Labcorp); PubMed 30729048 (cited by Labcorp Genetics (formerly Invitae), Labcorp).